The following is an entry in ClinVar:

ClinVar aggregate classification (germline): Likely pathogenic (1 of 4 stars; one submission).

Conditions:
MHC class I deficiency 3. Identifiers: MedGen C5935618, MONDO:0971012, OMIM 620814.

Submission:

First Genomix Gene Laboratory, Genetic Diagnostics Department
Classification: Likely pathogenic for MHC class I deficiency 3. Last evaluated: 2025-01-22. Review status: criteria provided, single submitter. Criteria: ACMG Guidelines, 2015. Collection method: clinical testing. Allele origin: germline. Inheritance: Autosomal recessive inheritance. Affected: no. Observed: 1 variant allele.

NM_003190.5(TAPBP):c.948del (p.Val317fs)

Gene: TAPBP (TAP binding protein; minus strand). Cytogenetic location: 6p21.32.
Variant type: Deletion.
Coding change: c.948del on transcript NM_003190.5 (MANE Select); coding-DNA position 948, one base deleted (T; older notation c.948delT).
Protein change: p.Val317fs; shifts the reading frame from valine 317.
Molecular consequence: frameshift variant.
Genome position (GRCh38, 1-based): chr6:33,304,559, A deleted on the plus strand (T on the coding strand, the reverse complement: TAPBP is on the minus strand); the first of 2 consecutive A bases (chr6:33,304,559-33,304,560); deleting either gives the same sequence. VCF-style (leftmost placement, unchanged base first): chr6-33304558-CA-C. GRCh37 (hg19) VCF-style: chr6-33272335-CA-C.
Other names: c.948delT (NM_003190.5); c.948del, p.Val317fs (NM_001410875.1, NM_172208.3); c.687del, p.Val230fs (NM_172209.3); short protein forms V230fs, V317fs.
Identifiers: ClinVar variation 4845722 (VCV004845722.1).
Genomic context (GRCh38, chr6:33,304,558, plus strand): 5'-CTGGGCCACCCCGGAGTTCCCACTCCACCTCCAGGCCCCCAGAAGGGTAGAAGTGGGACA[CA>C]AGGCAGAGCAATTCCGGGGGTGCCTCCCCTGGGGCGGCCCGTGCAAGGGTTGCTGGCATC-3'